The following is an entry in ClinVar:

NM_001036.6(RYR3):c.4483A>T (p.Ile1495Phe)

Gene: RYR3 (ryanodine receptor 3; plus strand). Cytogenetic location: 15q14.
Variant type: single nucleotide variant.
Coding change: c.4483A>T on transcript NM_001036.6 (MANE Select); coding-DNA position 4483, A replaced by T.
Protein change: p.Ile1495Phe; replaces isoleucine 1495 with phenylalanine.
Molecular consequence: missense variant.
Genome position (GRCh38, 1-based): chr15:33,660,284, A>T. VCF-style: chr15-33660284-A-T. GRCh37 (hg19) VCF-style: chr15-33952485-A-T.
Other names: c.4483A>T, p.Ile1495Phe (NM_001243996.4); short protein forms I1495F.
Identifiers: ClinVar variation 568037 (VCV000568037.9), dbSNP rs553354987, ClinGen allele CA7459021.

ClinVar aggregate classification (germline): Uncertain significance (1 of 4 stars; one submission).

Conditions:
Epileptic encephalopathy. Identifiers: MedGen C0543888, HP:0200134.

Allele frequency attached by ClinVar (database versions not stated): ExAC 0.00004; 1000 Genomes Project 30x 0.00016; TOPMed 0.00002; 1000 Genomes Project 0.00020.
gnomAD v4.1: 18 of 1,563,190 alleles (0.0012%); highest among the groups gnomAD compares: Admixed American, 0.0057%; no homozygotes.

Submission:

Labcorp Genetics (formerly Invitae), Labcorp
Classification: Uncertain significance for Epileptic encephalopathy. Last evaluated: 2018-05-30. Review status: criteria provided, single submitter. Criteria: Invitae Variant Classification Sherloc (09022015). Collection method: clinical testing. Allele origin: germline.
Comment: In summary, the available evidence is currently insufficient to determine the role of this variant in disease. Therefore, it has been classified as a Variant of Uncertain Significance. Algorithms developed to predict the effect of missense changes on protein structure and function are either unavailable or do not agree on the potential impact of this missense change (SIFT: "Deleterious"; PolyPhen-2: "Possibly Damaging"; Align-GVGD: "Class C0"). This variant has not been reported in the literature in individuals with RYR3-related disease. This variant is present in population databases (rs553354987, ExAC 0.01%). This sequence change replaces isoleucine with phenylalanine at codon 1495 of the RYR3 protein (p.Ile1495Phe). The isoleucine residue is highly conserved and there is a small physicochemical difference between isoleucine and phenylalanine.